The following is an entry in ClinVar:

ClinVar aggregate classification (germline): Uncertain significance (0 of 4 stars; one submission).

Conditions:
Prostate cancer. Also called: Malignant tumor of prostate. Identifiers: Orphanet 1331, MedGen C0376358, MONDO:0008315, HP:0012125.

Allele frequency attached by ClinVar (database versions not stated): gnomAD below 0.00001 and 0.00001; TOPMed below 0.00001; gnomAD exomes 0.00001.

Submission:

Science for Life laboratory,  Karolinska Institutet
Classification: Uncertain significance for Malignant tumor of prostate. Review status: no assertion criteria provided. Collection method: not provided. Allele origin: somatic.
Comment: TumorID:SWE-15
ClinVar note: Converted during submission from Unknown to Uncertain significance.

NM_016112.3(PKD2L1):c.70G>A (p.Ala24Thr)

Gene: PKD2L1 (polycystin 2 like 1, transient receptor potential cation channel; minus strand). Cytogenetic location: 10q24.31.
Variant type: single nucleotide variant.
Coding change: c.70G>A on transcript NM_016112.3 (MANE Select); coding-DNA position 70, G replaced by A.
Protein change: p.Ala24Thr; replaces alanine 24 with threonine.
Molecular consequence: missense variant. On other transcripts: 5 prime UTR variant (1).
Genome position (GRCh38, 1-based): chr10:100,330,034, C>T on the plus strand (G>A on the coding strand, the complement: PKD2L1 is on the minus strand). VCF-style: chr10-100330034-C-T. GRCh37 (hg19) VCF-style: chr10-102089791-C-T.
Other names: c.-94G>A (NM_001253837.2); short protein forms A24T.
Identifiers: ClinVar variation 161699 (VCV000161699.2), dbSNP rs193920845, ClinGen allele CA174619.